The following is an entry in ClinVar:

NM_022095.4(ZNF335):c.3517G>T (p.Gly1173Cys)

Gene: ZNF335 (zinc finger protein 335; minus strand). Cytogenetic location: 20q13.12.
Variant type: single nucleotide variant.
Coding change: c.3517G>T on transcript NM_022095.4 (MANE Select); coding-DNA position 3517, G replaced by T.
Protein change: p.Gly1173Cys; replaces glycine 1173 with cysteine.
Molecular consequence: missense variant.
Genome position (GRCh38, 1-based): chr20:45,950,040, C>A on the plus strand (G>T on the coding strand, the complement: ZNF335 is on the minus strand). VCF-style: chr20-45950040-C-A. GRCh37 (hg19) VCF-style: chr20-44578679-C-A.
Other names: short protein forms G1173C.
Identifiers: ClinVar variation 2420889 (VCV002420889.4), dbSNP rs764681680, ClinGen allele CA9884992.

ClinVar aggregate classification (germline): Uncertain significance (1 of 4 stars; one submission).

Allele frequency attached by ClinVar (database versions not stated): ExAC 0.00001; gnomAD 0.00001; TOPMed 0.00003.
gnomAD v4.1: 3 of 1,613,824 alleles (0.00019%); highest among the groups gnomAD compares: Admixed American, 0.005%; no homozygotes.

Submission:

Labcorp Genetics (formerly Invitae), Labcorp
Classification: Uncertain significance. Last evaluated: 2022-07-23. Review status: criteria provided, single submitter. Criteria: Invitae Variant Classification Sherloc (09022015). Collection method: clinical testing. Allele origin: germline.
Comment: In summary, the available evidence is currently insufficient to determine the role of this variant in disease. Therefore, it has been classified as a Variant of Uncertain Significance. Algorithms developed to predict the effect of missense changes on protein structure and function (SIFT, PolyPhen-2, Align-GVGD) all suggest that this variant is likely to be disruptive. This variant has not been reported in the literature in individuals affected with ZNF335-related conditions. The frequency data for this variant in the population databases is considered unreliable, as metrics indicate poor data quality at this position in the gnomAD database. This sequence change replaces glycine, which is neutral and non-polar, with cysteine, which is neutral and slightly polar, at codon 1173 of the ZNF335 protein (p.Gly1173Cys).